The following is an entry in ClinVar:

NM_001375765.1(GIGYF1):c.57C>T (p.Gly19=)

Gene: GIGYF1 (GRB10 interacting GYF protein 1; minus strand). Cytogenetic location: 7q22.1.
Variant type: single nucleotide variant.
Coding change: c.57C>T on transcript NM_001375765.1 (MANE Select); coding-DNA position 57, C replaced by T.
Protein change: p.Gly19=; no amino-acid change (glycine 19 retained).
Molecular consequence: synonymous variant. On other transcripts: non-coding transcript variant (1).
Genome position (GRCh38, 1-based): chr7:100,688,089, G>A on the plus strand (C>T on the coding strand, the complement: GIGYF1 is on the minus strand). VCF-style: chr7-100688089-G-A. GRCh37 (hg19) VCF-style: chr7-100285712-G-A.
Other names: NM_022574.4:c.57C>T; c.57C>T, p.Gly19= (NM_001375759.1, NM_001375760.1, NM_001375761.1 and 6 more transcripts).
Identifiers: ClinVar variation 3031990 (VCV003031990.2), dbSNP rs202246782, ClinGen allele CA4389226.
Genomic context (GRCh38, chr7:100,688,089, plus strand): 5'-GTAGTCAGCCAGCTTGTATTTGGGCATGGCAGGGGACGGGGGTGGGGAGGCCACGCTGCC[G>A]CCCCCGGACAGGGCCCTGAGCCTGGACACAACACAGAGAGAAGAAGACAGAGGTCAGGGC-3'
Protein context (NP_001362694.1, residues 9-29): GPEWLRALSG[Gly19=]GSVASPPPSP

ClinVar aggregate classification (germline): Benign (0 of 4 stars; one submission).

Conditions:
GIGYF1-related disorder. Also called: GIGYF1-related condition.

Allele frequency attached by ClinVar (database versions not stated): TOPMed 0.00009; gnomAD 0.00031; gnomAD exomes 0.00036; ExAC 0.00076; 1000 Genomes Project 0.00220; 1000 Genomes Project 30x 0.00234.
gnomAD v4.1: 569 of 1,609,906 alleles (0.035%); highest among the groups gnomAD compares: South Asian, 0.57%; 10 homozygotes.

Submission:

PreventionGenetics, part of Exact Sciences
Classification: Benign for GIGYF1-related condition. Last evaluated: 2021-03-26. Review status: no assertion criteria provided. Collection method: clinical testing. Allele origin: germline.
Comment: This variant is classified as benign based on ACMG/AMP sequence variant interpretation guidelines (Richards et al. 2015 PMID: 25741868, with internal and published modifications).